The following is an entry in ClinVar:

NM_001009944.3(PKD1):c.1589G>A (p.Cys530Tyr)

Gene: PKD1 (polycystin 1, transient receptor potential channel interacting; minus strand). Cytogenetic location: 16p13.3.
Variant type: single nucleotide variant.
Coding change: c.1589G>A on transcript NM_001009944.3 (MANE Select); coding-DNA position 1589, G replaced by A.
Protein change: p.Cys530Tyr; replaces cysteine 530 with tyrosine.
Molecular consequence: missense variant.
Genome position (GRCh38, 1-based): chr16:2,116,850, C>T on the plus strand (G>A on the coding strand, the complement: PKD1 is on the minus strand). VCF-style: chr16-2116850-C-T. GRCh37 (hg19) VCF-style: chr16-2166851-C-T.
Other names: c.1589G>A, p.Cys530Tyr (NM_000296.4); short protein forms C530Y.
Identifiers: ClinVar variation 3030284 (VCV003030284.2), dbSNP rs2544871753, ClinGen allele CA394391687.

ClinVar aggregate classification (germline): Pathogenic (0 of 4 stars; one submission).

Conditions:
PKD1-related disorder. Also called: PKD1-related condition.

Allele frequency attached by ClinVar (database versions not stated): gnomAD exomes below 0.00001.

Submission:

PreventionGenetics, part of Exact Sciences
Classification: Pathogenic for PKD1-related condition. Last evaluated: 2023-10-31. Review status: no assertion criteria provided. Collection method: clinical testing. Allele origin: germline.
Comment: The PKD1 c.1589G>A variant is predicted to result in the amino acid substitution p.Cys530Tyr. This variant has not been reported in a large population database, indicating this variant is rare. This variant has been reported in individuals with autosomal dominant polycystic kidney disease (ADPKD) (Liu et al. 2015. PubMed ID: 26274329; Simms et al. 2015. PubMed ID: 25340609). The p.Cys530 residue is highly conserved during evolution and other variants affecting flanking highly-conserved codons have been reported to be pathogenic for ADPKD (Human Gene Mutation Database - HGMD). This variant is interpreted as pathogenic.